The following is an entry in ClinVar:

NM_006019.4(TCIRG1):c.527C>T (p.Pro176Leu)

Gene: TCIRG1 (T cell immune regulator 1, ATPase H+ transporting V0 subunit a3; plus strand). Cytogenetic location: 11q13.2.
Variant type: single nucleotide variant.
Coding change: c.527C>T on transcript NM_006019.4 (MANE Select); coding-DNA position 527, C replaced by T.
Protein change: p.Pro176Leu; replaces proline 176 with leucine.
Molecular consequence: missense variant. On other transcripts: 5 prime UTR variant (2).
Genome position (GRCh38, 1-based): chr11:68,043,394, C>T. VCF-style: chr11-68043394-C-T. GRCh37 (hg19) VCF-style: chr11-67810861-C-T.
Other names: c.-384C>T (NM_001351059.2); c.-122C>T (NM_006053.4); short protein forms P176L.
Identifiers: ClinVar variation 1369406 (VCV001369406.6), dbSNP rs1171368158, ClinGen allele CA381577140.

ClinVar aggregate classification (germline): Uncertain significance (1 of 4 stars; one submission).

Allele frequency attached by ClinVar (database versions not stated): TOPMed 0.00001.
gnomAD v4.1: 3 of 1,540,352 alleles (0.00019%); highest among the groups gnomAD compares: Non-Finnish European, 0.00026%; no homozygotes.

Submission:

Labcorp Genetics (formerly Invitae), Labcorp
Classification: Uncertain significance. Last evaluated: 2025-08-13. Review status: criteria provided, single submitter. Criteria: Invitae Variant Classification Sherloc (09022015). Collection method: clinical testing. Allele origin: germline.
Comment: This sequence change replaces proline, which is neutral and non-polar, with leucine, which is neutral and non-polar, at codon 176 of the TCIRG1 protein (p.Pro176Leu). This variant is not present in population databases (gnomAD no frequency). This variant has not been reported in the literature in individuals affected with TCIRG1-related conditions. ClinVar contains an entry for this variant (Variation ID: 1369406). Invitae Evidence Modeling of protein sequence and biophysical properties (such as structural, functional, and spatial information, amino acid conservation, physicochemical variation, residue mobility, and thermodynamic stability) indicates that this missense variant is not expected to disrupt TCIRG1 protein function with a negative predictive value of 80%. In summary, the available evidence is currently insufficient to determine the role of this variant in disease. Therefore, it has been classified as a Variant of Uncertain Significance.